The following is an entry in ClinVar:

ClinVar aggregate classification (germline): Uncertain significance. Review status: criteria provided, multiple submitters, no conflicts (2 of 4 stars). 3 submissions from 3 submitters: Uncertain significance (3). Last evaluated 2025-05-08.

Conditions:
Tremor, hereditary essential, 5 (ETM5). Identifiers: MedGen C4225223, MONDO:0014756, OMIM 616736.

Allele frequency attached by ClinVar (database versions not stated): gnomAD 0.00001; 1000 Genomes Project 30x 0.00016; TOPMed below 0.00001.
gnomAD v4.1: 7 of 1,548,886 alleles (0.00045%); highest among the groups gnomAD compares: East Asian, 0.0024%; no homozygotes.

Submissions (3):

Women's Health and Genetics/Laboratory Corporation of America, LabCorp
Classification: Uncertain significance. Last evaluated: 2025-05-08. Review status: criteria provided, single submitter. Criteria: LabCorp Variant Classification Summary - May 2015. Collection method: clinical testing. Allele origin: germline.
Comment: Variant summary: TENM4 c.553C>T (p.His185Tyr) results in a conservative amino acid change in the encoded protein sequence. Algorithms developed to predict the effect of missense changes on protein structure and function are either unavailable or do not agree on the potential impact of this missense change. The variant allele was found at a frequency of 6.8e-06 in 146622 control chromosomes. The available data on variant occurrences in the general population are insufficient to allow any conclusion about variant significance. To our knowledge, no occurrence of c.553C>T in individuals affected with Tremor, Hereditary Essential, 5 and no experimental evidence demonstrating its impact on protein function have been reported. ClinVar contains an entry for this variant (Variation ID: 2437041). Based on the evidence outlined above, the variant was classified as uncertain significance.

Ambry Genetics
Classification: Uncertain significance. Last evaluated: 2025-01-24. Review status: criteria provided, single submitter. Criteria: Ambry Variant Classification Scheme 2023. Collection method: clinical testing. Allele origin: germline.

Revvity Omics, Revvity
Classification: Uncertain significance for Tremor, hereditary essential, 5. Last evaluated: 2022-10-21. Review status: criteria provided, single submitter. Criteria: ACMG Guidelines, 2015. Collection method: clinical testing. Allele origin: germline.

NM_001098816.3(TENM4):c.553C>T (p.His185Tyr)

Gene: TENM4 (teneurin transmembrane protein 4; minus strand). Cytogenetic location: 11q14.1.
Variant type: single nucleotide variant.
Coding change: c.553C>T on transcript NM_001098816.3 (MANE Select); coding-DNA position 553, C replaced by T.
Protein change: p.His185Tyr; replaces histidine 185 with tyrosine.
Molecular consequence: missense variant.
Genome position (GRCh38, 1-based): chr11:78,903,464, G>A on the plus strand (C>T on the coding strand, the complement: TENM4 is on the minus strand). VCF-style: chr11-78903464-G-A. GRCh37 (hg19) VCF-style: chr11-78614509-G-A.
Other names: c.553C>T (NM_001098816.2); short protein forms H185Y.
Identifiers: ClinVar variation 2437041 (VCV002437041.5), dbSNP rs371659604, ClinGen allele CA225135900.